The following is an entry in ClinVar:

ClinVar aggregate classification (germline): Conflicting classifications of pathogenicity. Review status: criteria provided, conflicting classifications (1 of 4 stars). 2 submissions from 2 submitters: Likely pathogenic (1); Uncertain significance (1). Last evaluated 2025-06-21.

Conditions:
KMT2D-related disorder. Also called: KMT2D-Related Disorders.

Submissions (2):

GeneDx
Classification: Likely pathogenic. Last evaluated: 2025-06-21. Review status: criteria provided, single submitter. Criteria: GeneDx Variant Classification Process June 2021. Collection method: clinical testing. Allele origin: germline. Affected: yes.
Comment: Reported in a patient with suspected Kabuki syndrome in published literature (PMID: 22126750); In silico analysis supports that this missense variant has a deleterious effect on protein structure/function; Not observed at significant frequency in large population cohorts (gnomAD); This variant is associated with the following publications: (PMID: 22126750, 30459467)

PreventionGenetics, part of Exact Sciences
Classification: Uncertain significance for KMT2D-related condition. Last evaluated: 2025-03-09. Review status: criteria provided, single submitter. Criteria: ACMG Guidelines, 2015. Collection method: clinical testing. Allele origin: germline.
Comment: The KMT2D c.15140C>T variant is predicted to result in the amino acid substitution p.Ala5047Val. This variant was reported in an individual with a suspected diagnosis of Kabuki syndrome (Supplementary Table 3, Banka et al. 2012. PubMed ID: 22126750). This variant has not been reported in a large population database (gnomAD), indicating this variant is rare. At this time, the clinical significance of this variant is uncertain due to the absence of conclusive functional and genetic evidence.

NM_003482.4(KMT2D):c.15140C>T (p.Ala5047Val)

Gene: KMT2D (lysine methyltransferase 2D; minus strand). Cytogenetic location: 12q13.12.
Variant type: single nucleotide variant.
Coding change: c.15140C>T on transcript NM_003482.4 (MANE Select); coding-DNA position 15140, C replaced by T.
Protein change: p.Ala5047Val; replaces alanine 5047 with valine.
Molecular consequence: missense variant.
Genome position (GRCh38, 1-based): chr12:49,026,826, G>A on the plus strand (C>T on the coding strand, the complement: KMT2D is on the minus strand). VCF-style: chr12-49026826-G-A. GRCh37 (hg19) VCF-style: chr12-49420609-G-A.
Other names: short protein forms A5047V.
Identifiers: ClinVar variation 4680864 (VCV004680864.2).